The following is an entry in ClinVar:

NC_000010.10:g.(?_43572701)_(43623723_?)dup

Genes: MCS+9.7 (RET intron 1 enhancer; plus strand), RET (ret proto-oncogene; plus strand), LOC130003709 (ATAC-STARR-seq lymphoblastoid active region 3285; plus strand), LOC130003710 (ATAC-STARR-seq lymphoblastoid active region 3286; plus strand), LOC106736614 (RET 5' regulatory region; plus strand) and 5 more. Cytogenetic location: 10q11.21.
Variant type: Duplication.
Identifiers: ClinVar variation 477299 (VCV000477299.1).

ClinVar aggregate classification (germline): Uncertain significance (1 of 4 stars; one submission).

Conditions:
Multiple endocrine neoplasia, type 2 (MEN2). Identifiers: Orphanet 653, MedGen C4048306, MONDO:0019003. Disease mechanism: gain of function.

Submission:

Labcorp Genetics (formerly Invitae), Labcorp
Classification: Uncertain significance for Multiple endocrine neoplasia, type 2. Last evaluated: 2017-03-07. Review status: criteria provided, single submitter. Criteria: Invitae Variant Classification Sherloc (09022015). Collection method: clinical testing. Allele origin: germline.
Comment: A gross duplication of the genomic region encompassing the full coding sequence of the RET gene has been identified. The boundaries of this event are unknown as the duplication extends beyond the assayed region for this gene and therefore may encompass additional genes. As the precise location of this duplication is unknown, it may be in tandem or it may be located elsewhere in the genome. While whole gene duplications have not been published in the literature, exon-level duplications of RET have also not been reported in individuals with a RET-related disease. In summary, the exact genomic location of this variant is unknown and the impact of this duplication on RET protein function has not been established. Therefore, it has been classified as a Variant of Uncertain Significance.